The following is an entry in ClinVar:

ClinVar aggregate classification (germline): Benign. Review status: criteria provided, multiple submitters, no conflicts (2 of 4 stars). 3 submissions from 2 submitters: Benign (3). Last evaluated 2018-01-13.

Conditions:
Amyotrophic lateral sclerosis type 8 (ALS8). Identifiers: Orphanet 803, MedGen C1837728, MONDO:0012077, OMIM 608627.
Adult-onset proximal spinal muscular atrophy, autosomal dominant. Also called: FINKEL LATE-ADULT TYPE SMA; Spinal muscular atrophy, late-onset, finkel type. Identifiers: Orphanet 209335, MedGen C1854058, MONDO:0008453, OMIM 182980.

Allele frequency attached by ClinVar (database versions not stated): 1000 Genomes Project 30x 0.01952; 1000 Genomes Project 0.02097; ExAC 0.02220; TOPMed 0.04476; gnomAD 0.05914.
gnomAD v4.1: 26,743 of 453,710 alleles (5.9%); highest among the groups gnomAD compares: Non-Finnish European, 8.5%; 1,179 homozygotes.

Submissions (3):

Illumina Laboratory Services, Illumina
Classification: Benign for Adult-onset proximal spinal muscular atrophy, autosomal dominant. Last evaluated: 2018-01-13. Review status: criteria provided, single submitter. Criteria: ICSL Variant Classification Criteria 13 December 2019. Collection method: clinical testing. Allele origin: germline.
Comment: This variant was observed in the ICSL laboratory as part of a predisposition screen in an ostensibly healthy population. It had not been previously curated by ICSL or reported in the Human Gene Mutation Database (HGMD: prior to June 1st, 2018), and was therefore a candidate for classification through an automated scoring system. Utilizing variant allele frequency, disease prevalence and penetrance estimates, and inheritance mode, an automated score was calculated to assess if this variant is too frequent to cause the disease. Based on the score and internal cut-off values, a variant classified as benign is not then subjected to further curation. The score for this variant resulted in a classification of benign for this disease.

Illumina Laboratory Services, Illumina
Classification: Benign for Amyotrophic lateral sclerosis type 8. Last evaluated: 2018-01-13. Review status: criteria provided, single submitter. Criteria: ICSL Variant Classification Criteria 13 December 2019. Collection method: clinical testing. Allele origin: germline.
Comment: the same text as in the submission from Illumina Laboratory Services, Illumina above.

Breakthrough Genomics
Classification: Benign. Review status: criteria provided, single submitter. Criteria: ACMG Guidelines, 2015. Collection method: not provided. Allele origin: germline. Inheritance: Autosomal dominant inheritance. Affected: yes.

NM_004738.5(VAPB):c.*4052C>T

Gene: VAPB (VAMP associated protein B and C; plus strand). Cytogenetic location: 20q13.32.
Variant type: single nucleotide variant.
Coding change: c.*4052C>T on transcript NM_004738.5 (MANE Select); 4052 bases downstream of the stop codon, C replaced by T.
Molecular consequence: 3 prime UTR variant. On other transcripts: non-coding transcript variant (1).
Genome position (GRCh38, 1-based): chr20:58,448,287, C>T. VCF-style: chr20-58448287-C-T. GRCh37 (hg19) VCF-style: chr20-57023343-C-T.
Other names: c.*4122C>T (NM_001195677.2).
Identifiers: ClinVar variation 338985 (VCV000338985.7), dbSNP rs76295834, ClinGen allele CA9924565.